The following is an entry in ClinVar:

NM_001875.5(CPS1):c.3736G>A (p.Val1246Ile)

Gene: CPS1 (carbamoyl-phosphate synthase 1; plus strand). Cytogenetic location: 2q34.
Variant type: single nucleotide variant.
Coding change: c.3736G>A on transcript NM_001875.5 (MANE Select); coding-DNA position 3736, G replaced by A.
Protein change: p.Val1246Ile; replaces valine 1246 with isoleucine.
Molecular consequence: missense variant. On other transcripts: non-coding transcript variant (2).
Genome position (GRCh38, 1-based): chr2:210,658,668, G>A. VCF-style: chr2-210658668-G-A. GRCh37 (hg19) VCF-style: chr2-211523392-G-A.
Other names: c.3736G>A, p.Val1246Ile (NM_001122633.3, NM_001369257.1); c.3769G>A, p.Val1257Ile (NM_001369256.1); short protein forms V1246I, V1257I.
Identifiers: ClinVar variation 1011888 (VCV001011888.12), dbSNP rs753784617, ClinGen allele CA2087056.
Genomic context (GRCh38, chr2:210,658,668, plus strand): 5'-GCTACCCGGAAGATTGCAAAGGCTTTTGCCATCTCTGGTCCATTCAACGTCCAATTTCTT[G>A]TCAAAGGAAATGATGTCTTGGTAAGAAATGCCAAGGTGCCTGAGAGGACACCACCACTGT-3'
Protein context (NP_001866.2, residues 1236-1256): ISGPFNVQFL[Val1246Ile]KGNDVLVIEC

ClinVar aggregate classification (germline): Uncertain significance. Review status: criteria provided, single submitter (1 of 4 stars). 2 submissions from 2 submitters: Uncertain significance (1). 1 of the submissions does not count toward it. Last evaluated 2020-01-30.

Conditions:
Congenital hyperammonemia, type I. Also called: Carbamoyl phosphate synthetase 1 deficiency; Hyperammonemia due to carbamoyl phosphate synthetase 1 deficiency; CPS 1 deficiency; Carbamyl phosphate synthetase (CPS) deficiency; Carbamoyl-phosphate synthase I deficiency; Carbamoyl phosphate synthetase I deficiency disease. Identifiers: Orphanet 147, MedGen C4082171, MONDO:0009376, OMIM 237300.

Allele frequency attached by ClinVar (database versions not stated): gnomAD exomes below 0.00001; ExAC 0.00001.

Submissions (2):

Labcorp Genetics (formerly Invitae), Labcorp
Classification: Uncertain significance for Congenital hyperammonemia, type I. Last evaluated: 2020-01-30. Review status: criteria provided, single submitter. Criteria: Invitae Variant Classification Sherloc (09022015). Collection method: clinical testing. Allele origin: germline.
Comment: In summary, the available evidence is currently insufficient to determine the role of this variant in disease. Therefore, it has been classified as a Variant of Uncertain Significance. Algorithms developed to predict the effect of missense changes on protein structure and function are either unavailable or do not agree on the potential impact of this missense change (SIFT: "Tolerated"; PolyPhen-2: "Possibly Damaging"; Align-GVGD: "Class C0"). This variant has not been reported in the literature in individuals with CPS1-related conditions. This variant is present in population databases (rs753784617, ExAC 0.002%). This sequence change replaces valine with isoleucine at codon 1246 of the CPS1 protein (p.Val1246Ile). The valine residue is moderately conserved and there is a small physicochemical difference between valine and isoleucine.

Natera, Inc.
Classification: Uncertain significance for Carbamoyl-phosphate synthase I deficiency. Last evaluated: 2020-03-11. Review status: no assertion criteria provided. Collection method: clinical testing. Allele origin: germline. Not counted in ClinVar's aggregate classification.